The following is an entry in ClinVar:

ClinVar aggregate classification (germline): Pathogenic (1 of 4 stars; one submission).

Conditions:
Long QT syndrome (LQTS). Identifiers: MedGen C0023976, MeSH D008133, MONDO:0002442. Disease mechanism: loss of function. Inheritance: Various modes of inheritance.

Submission:

Labcorp Genetics (formerly Invitae), Labcorp
Classification: Pathogenic for Long QT syndrome. Last evaluated: 2025-09-03. Review status: criteria provided, single submitter. Criteria: Invitae Variant Classification Sherloc (09022015). Collection method: clinical testing. Allele origin: germline.
Comment: This sequence change creates a premature translational stop signal (p.Cys566Alafs*28) in the KCNH2 gene. It is expected to result in an absent or disrupted protein product. Loss-of-function variants in KCNH2 are known to be pathogenic (PMID: 10973849, 19862833). This variant is not present in population databases (gnomAD no frequency). This variant has not been reported in the literature in individuals affected with KCNH2-related conditions. ClinVar contains an entry for this variant (Variation ID: 405341). For these reasons, this variant has been classified as Pathogenic.

Literature cited by the submitters: PubMed 10973849; PubMed 19862833.

NM_000238.4(KCNH2):c.1695del (p.Cys566fs)

Gene: KCNH2 (potassium voltage-gated channel subfamily H member 2; minus strand). Cytogenetic location: 7q36.1.
Variant type: Deletion.
Coding change: c.1695del on transcript NM_000238.4 (MANE Select); coding-DNA position 1695, one base deleted (C; older notation c.1695delC).
Protein change: p.Cys566fs; shifts the reading frame from cysteine 566.
Molecular consequence: frameshift variant.
Genome position (GRCh38, 1-based): chr7:150,951,698, G deleted on the plus strand (C on the coding strand, the reverse complement: KCNH2 is on the minus strand); the first of 2 consecutive G bases (chr7:150,951,698-150,951,699); deleting either gives the same sequence. VCF-style (leftmost placement, unchanged base first): chr7-150951697-AG-A. GRCh37 (hg19) VCF-style: chr7-150648785-AG-A.
Other names: c.675del, p.Cys226fs (NM_001204798.2, NM_172057.3); c.1406delC, p.Cys470Alafs (NM_001406753.1, NM_001406756.1); c.1517delC, p.Cys507Alafs (NM_001406755.1); c.1394delC, p.Cys466Alafs (NM_001406757.1); c.1694delC, p.Cys566Alafs (NM_172056.3); c.1695delC (NM_000238.3); short protein forms C226fs, C566fs.
Identifiers: ClinVar variation 405341 (VCV000405341.10), dbSNP rs1060500661, ClinGen allele CA16612192.